The following is an entry in ClinVar:

ClinVar aggregate classification (germline): Uncertain significance (1 of 4 stars; one submission).

Conditions:
Inborn genetic diseases. Identifiers: MedGen C0950123, MeSH D030342.

Submission:

Ambry Genetics
Classification: Uncertain significance for Inborn genetic diseases. Last evaluated: 2024-01-09. Review status: criteria provided, single submitter. Criteria: Ambry Variant Classification Scheme 2023. Collection method: clinical testing. Allele origin: germline.
Comment: The p.S404A variant (also known as c.1210T>G), located in coding exon 11 of the LRRK2 gene, results from a T to G substitution at nucleotide position 1210. The serine at codon 404 is replaced by alanine, an amino acid with similar properties. This amino acid position is conserved. In addition, this alteration is predicted to be tolerated by in silico analysis. Since supporting evidence is limited at this time, the clinical significance of this alteration remains unclear.

NM_198578.4(LRRK2):c.1210T>G (p.Ser404Ala)

Gene: LRRK2 (leucine rich repeat kinase 2; plus strand). Cytogenetic location: 12q12.
Variant type: single nucleotide variant.
Coding change: c.1210T>G on transcript NM_198578.4 (MANE Select); coding-DNA position 1210, T replaced by G.
Protein change: p.Ser404Ala; replaces serine 404 with alanine.
Molecular consequence: missense variant.
Genome position (GRCh38, 1-based): chr12:40,252,938, T>G. VCF-style: chr12-40252938-T-G. GRCh37 (hg19) VCF-style: chr12-40646740-T-G.
Other names: short protein forms S404A.
Identifiers: ClinVar variation 3229504 (VCV003229504.1), dbSNP rs2499514651, ClinGen allele CA384409281.